The following is an entry in ClinVar:

NM_001267550.2(TTN):c.8640G>A (p.Glu2880=)

Gene: TTN (titin; minus strand). Cytogenetic location: 2q31.2.
Variant type: single nucleotide variant.
Coding change: c.8640G>A on transcript NM_001267550.2 (MANE Select); coding-DNA position 8640, G replaced by A.
Protein change: p.Glu2880=; no amino-acid change (glutamic acid 2880 retained).
Molecular consequence: synonymous variant.
Genome position (GRCh38, 1-based): chr2:178,770,061, C>T on the plus strand (G>A on the coding strand, the complement: TTN is on the minus strand). VCF-style: chr2-178770061-C-T. GRCh37 (hg19) VCF-style: chr2-179634788-C-T.
Other names: c.8640G>A, p.Glu2880= (NM_001256850.1, NM_133378.4, NM_133379.5); c.8502G>A, p.Glu2834= (NM_003319.4, NM_133432.3, NM_133437.4).
Identifiers: ClinVar variation 467582 (VCV000467582.32), dbSNP rs879222360, ClinGen allele CA61003499.

ClinVar aggregate classification (germline): Conflicting classifications of pathogenicity. Review status: criteria provided, conflicting classifications (1 of 4 stars). 7 submissions from 7 submitters: Uncertain significance (2); Likely benign (4). 1 of the submissions does not count toward it. Last evaluated 2026-09-21.

Conditions:
Cardiovascular phenotype. Identifiers: MedGen CN230736.
Dilated cardiomyopathy 1G (CMD1G). Identifiers: Orphanet 154, MedGen C1858763, MONDO:0011400, OMIM 604145.
Autosomal recessive limb-girdle muscular dystrophy type 2J (LGMDR10). Also called: Limb-girdle muscular dystrophy, type 2J; MUSCULAR DYSTROPHY, LIMB-GIRDLE, AUTOSOMAL RECESSIVE 10. Identifiers: Orphanet 140922, MedGen C1837342, MONDO:0012127, OMIM 608807.
TTN-related disorder. Also called: TTN-related disorders; TTN-related condition; TTN-related disease.

Allele frequency attached by ClinVar (database versions not stated): TOPMed 0.00002; gnomAD exomes 0.00003 and 0.00005; gnomAD 0.00004.
gnomAD v4.1: 78 of 1,614,042 alleles (0.0048%); highest among the groups gnomAD compares: Non-Finnish European, 0.0056%; no homozygotes.

Submissions (7):

Molecular Diagnostic Laboratory for Inherited Cardiovascular Disease, Montreal Heart Institute
Classification: Likely benign. Last evaluated: 2026-09-21. Review status: criteria provided, single submitter. Criteria: ACMG Guidelines, 2015. Collection method: clinical testing. Allele origin: germline. Affected: no.

CeGaT Center for Human Genetics Tuebingen
Classification: Likely benign. Last evaluated: 2024-05-01. Review status: criteria provided, single submitter. Criteria: CeGaT Center For Human Genetics Tuebingen Variant Classification Criteria Version 2. Collection method: clinical testing. Allele origin: germline. Affected: yes. Observed: 1 variant allele.
Comment: TTN: BP4, BP7

Blueprint Genetics
Classification: Likely benign. Last evaluated: 2024-03-23. Review status: criteria provided, single submitter. Criteria: ACMG Guidelines, 2015. Collection method: clinical testing. Allele origin: germline.

Ambry Genetics
Classification: Likely benign for Cardiovascular phenotype. Last evaluated: 2022-01-04. Review status: criteria provided, single submitter. Criteria: Ambry Variant Classification Scheme 2023. Collection method: clinical testing. Allele origin: germline.

Eurofins Ntd Llc (ga)
Classification: Uncertain significance. Last evaluated: 2017-06-29. Review status: criteria provided, single submitter. Criteria: EGL Classification Definitions 2015. Collection method: clinical testing. Allele origin: germline. Observed: 1 variant allele, 1 heterozygote.

Labcorp Genetics (formerly Invitae), Labcorp
Classification: Uncertain significance for Dilated cardiomyopathy 1G; Autosomal recessive limb-girdle muscular dystrophy type 2J. Last evaluated: 2017-04-21. Review status: criteria provided, single submitter. Criteria: Invitae Variant Classification Sherloc (09022015). Collection method: clinical testing. Allele origin: germline.

PreventionGenetics, part of Exact Sciences
Classification: Likely benign for TTN-related condition. Last evaluated: 2019-06-26. Review status: no assertion criteria provided. Collection method: clinical testing. Allele origin: germline. Not counted in ClinVar's aggregate classification.
Comment: This variant is classified as likely benign based on ACMG/AMP sequence variant interpretation guidelines (Richards et al. 2015 PMID: 25741868, with internal and published modifications).